The following is an entry in ClinVar:

NM_000152.5(GAA):c.1446del (p.Ser484fs)

Gene: GAA (alpha glucosidase; plus strand). Cytogenetic location: 17q25.3.
Variant type: Deletion.
Coding change: c.1446del on transcript NM_000152.5 (MANE Select); coding-DNA position 1446, one base deleted (C; older notation c.1446delC).
Protein change: p.Ser484fs; shifts the reading frame from serine 484.
Molecular consequence: frameshift variant.
Genome position (GRCh38, 1-based): chr17:80,110,735, C deleted; the last of 3 consecutive C bases (chr17:80,110,733-80,110,735); deleting any one gives the same sequence. VCF-style (leftmost placement, unchanged base first): chr17-80110732-GC-G. GRCh37 (hg19) VCF-style: chr17-78084531-GC-G.
Other names: c.1446del, p.Ser484fs (NM_001079803.3, NM_001079804.3, NM_001406741.1 and 1 more transcripts); short protein forms S484fs.
Identifiers: ClinVar variation 4876255 (VCV004876255.1).

ClinVar aggregate classification (germline): Pathogenic (1 of 4 stars; one submission).

Conditions:
Glycogen storage disease, type II (IOPD). Also called: Pompe Disease; CARDIOMEGALIA GLYCOGENICA DIFFUSA; GLYCOGENOSIS, GENERALIZED, CARDIAC FORM; GSD II; POMPE DISEASE, INFANTILE-ONSET; GLYCOGEN STORAGE DISEASE II, INFANTILE-ONSET. Identifiers: Orphanet 365, MedGen C0017921, MONDO:0009290, OMIM 232300.

Submission:

Genomenon, Inc
Classification: Pathogenic for Glycogen storage disease, type II. Last evaluated: 2026-07-01. Review status: criteria provided, single submitter. Criteria: Genomenon Sequence Variant Interpretation Standards - Updated. Collection method: curation. Allele origin: germline.
Comment: GAA p.Ser484ProfsTer36 (c.1446del) is a frameshift variant that is predicted to introduce a premature termination codon and result in a truncated or absent protein product. This variant has been reported in the compound heterozygous and/or homozygous state in an individual without a confirmed diagnosis of Pompe disease (PMID:32290314). It is absent or not present at a significant frequency in gnomAD. In conclusion, we classify GAA p.Ser484ProfsTer36 (c.1446del) as a pathogenic variant.

Literature cited by the submitters: PubMed 32290314.